The following is an entry in ClinVar:

NM_022725.4(FANCF):c.267_268del (p.Cys89_Asp90delinsTer)

Gene: FANCF (FA complementation group F; minus strand). Cytogenetic location: 11p14.3.
Variant type: Microsatellite.
Coding change: c.267_268del on transcript NM_022725.4 (MANE Select); coding-DNA positions 267 to 268, 2 bases deleted (TG; older notation c.267_268delTG).
Protein change: p.Cys89_Asp90delinsTer.
Molecular consequence: nonsense.
Genome position (GRCh38, 1-based): chr11:22,625,543-22,625,544, CA deleted on the plus strand (TG on the coding strand, the reverse complement: FANCF is on the minus strand); deleting any 2 consecutive bases within chr11:22,625,543-22,625,546 gives the same sequence; the c. name uses the placement nearest the transcript's 3' end. VCF-style (leftmost placement, unchanged base first): chr11-22625542-TCA-T. GRCh37 (hg19) VCF-style: chr11-22647088-TCA-T.
Identifiers: ClinVar variation 2675559 (VCV002675559.7), dbSNP rs1565055497, ClinGen allele CA918836172.

ClinVar aggregate classification (germline): Pathogenic/Likely pathogenic. Review status: criteria provided, multiple submitters, no conflicts (2 of 4 stars). 4 submissions from 4 submitters: Pathogenic (1); Likely pathogenic (3). Last evaluated 2023-08-10.

Conditions:
Fanconi anemia (FA). Also called: Fanconi's anemia. Identifiers: Orphanet 84, MedGen C0015625, MeSH D005199, MONDO:0019391.
FANCF-related disorder. Also called: FANCF-related condition.
Fanconi anemia complementation group F. Also called: FANCF-Related Fanconi Anemia. Identifiers: Orphanet 84, MedGen C3469526, MONDO:0011325, OMIM 603467.

Submissions (4):

Baylor Genetics
Classification: Likely pathogenic for Fanconi anemia complementation group F. Last evaluated: 2023-08-10. Review status: criteria provided, single submitter. Criteria: ACMG Guidelines, 2015. Collection method: clinical testing. Allele origin: unknown.

Labcorp Genetics (formerly Invitae), Labcorp
Classification: Pathogenic for Fanconi anemia. Last evaluated: 2023-05-13. Review status: criteria provided, single submitter. Criteria: Invitae Variant Classification Sherloc (09022015). Collection method: clinical testing. Allele origin: germline.
Comment: For these reasons, this variant has been classified as Pathogenic. This variant disrupts a region of the FANCF protein in which other variant(s) (p.Gly233Glufs*32) have been determined to be pathogenic (PMID: 11063725, 12649160, 27714961). This suggests that this is a clinically significant region of the protein, and that variants that disrupt it are likely to be disease-causing. This variant has not been reported in the literature in individuals affected with FANCF-related conditions. This variant is not present in population databases (gnomAD no frequency). This sequence change creates a premature translational stop signal (p.Cys89*) in the FANCF gene. While this is not anticipated to result in nonsense mediated decay, it is expected to disrupt the last 286 amino acid(s) of the FANCF protein.

Blueprint Genetics
Classification: Likely pathogenic for FANCF-related disorders. Last evaluated: 2020-04-09. Review status: criteria provided, single submitter. Criteria: ACMG Guidelines, 2015. Collection method: clinical testing. Allele origin: germline. Affected: yes. Observed: 3 variant alleles.

Juno Genomics, Hangzhou Juno Genomics, Inc
Classification: Likely pathogenic for Fanconi anemia complementation group F. Review status: criteria provided, single submitter. Criteria: ACMG Guidelines, 2015. Collection method: clinical testing. Allele origin: germline.
Comment: Null variant in a gene where loss of function (LOF) is a known mechanism of disease.;Absent from controls (or at extremely low frequency if recessive) in Genome Aggregation Database.

Literature cited by the submitters: PubMed 11063725 (cited by Labcorp Genetics (formerly Invitae), Labcorp); PubMed 12649160 (cited by Labcorp Genetics (formerly Invitae), Labcorp); PubMed 27714961 (cited by Labcorp Genetics (formerly Invitae), Labcorp).